The following is an entry in ClinVar:

ClinVar aggregate classification (germline): Uncertain significance (1 of 4 stars; one submission).

Conditions:
Keipert syndrome (KPTS). Identifiers: Orphanet 2662, MedGen C1850627, MONDO:0009720, OMIM 301026.

Submission:

Victorian Clinical Genetics Services, Murdoch Childrens Research Institute
Classification: Uncertain significance for Keipert syndrome. Last evaluated: 2023-07-17. Review status: criteria provided, single submitter. Criteria: ACMG Guidelines, 2015. Collection method: clinical testing. Allele origin: germline. Inheritance: X-linked recessive inheritance. Affected: yes.
Comment: Based on the classification scheme VCGS_Germline_v1.3.4, this variant is classified as VUS-3B. Following criteria are met: 0102 - Loss of function is a known mechanism of disease in this gene and is associated with Keipert syndrome (MIM#301026). (I) 0109 - This gene is associated with X-linked recessive disease. Heterozygous variants in females may cause less severe disease due to skewed X-inactivation (PMID:30982611). (I) 0200 - Variant is predicted to result in a missense amino acid change from valine to methionine. (I) 0251 - This variant is heterozygous. (I) 0301 - Variant is absent from gnomAD (both v2 and v3). (SP) 0502 - Missense variant with conflicting in silico predictions and uninformative conservation. (I) 0600 - Variant is located in the annotated Glypican domain (DECIPHER). (I) 0705 - No comparable missense variants have previous evidence for pathogenicity. (I) 0807 - This variant has no previous evidence of pathogenicity. (I) 0905 - No published segregation evidence has been identified for this variant. (I) 1007 - No published functional evidence has been identified for this variant. (SP) Legend: (SP) - Supporting pathogenic, (I) - Information, (SB) - Supporting benign

Literature cited by the submitters: PubMed 30982611.

NM_001448.3(GPC4):c.1450G>A (p.Val484Met)

Gene: GPC4 (glypican 4; minus strand). Cytogenetic location: Xq26.2.
Variant type: single nucleotide variant.
Coding change: c.1450G>A on transcript NM_001448.3 (MANE Select); coding-DNA position 1450, G replaced by A.
Protein change: p.Val484Met; replaces valine 484 with methionine.
Molecular consequence: missense variant.
Genome position (GRCh38, 1-based): chrX:133,303,184, C>T on the plus strand (G>A on the coding strand, the complement: GPC4 is on the minus strand). VCF-style: chrX-133303184-C-T. GRCh37 (hg19) VCF-style: chrX-132437212-C-T.
Other names: short protein forms V484M.
Identifiers: ClinVar variation 3254780 (VCV003254780.1), dbSNP rs2068274877.